The following is an entry in ClinVar:

NM_021076.4(NEFH):c.269C>T (p.Ala90Val)

Gene: NEFH (neurofilament heavy chain; plus strand). Cytogenetic location: 22q12.2.
Variant type: single nucleotide variant.
Coding change: c.269C>T on transcript NM_021076.4 (MANE Select); coding-DNA position 269, C replaced by T.
Protein change: p.Ala90Val; replaces alanine 90 with valine.
Molecular consequence: missense variant.
Genome position (GRCh38, 1-based): chr22:29,480,531, C>T. VCF-style: chr22-29480531-C-T. GRCh37 (hg19) VCF-style: chr22-29876520-C-T.
Other names: short protein forms A90V.
Identifiers: ClinVar variation 66742 (VCV000066742.40), dbSNP rs61556467, ClinGen allele CA217656.

ClinVar aggregate classification (germline): Conflicting classifications of pathogenicity. Review status: criteria provided, conflicting classifications (1 of 4 stars). 7 submissions from 7 submitters: Uncertain significance (3); Benign (1); Likely benign (1). 2 of the submissions do not count toward it. Last evaluated 2025-12-20.

Conditions:
NEFH-related disorder. Also called: NEFH-related condition.
Inborn genetic diseases. Identifiers: MedGen C0950123, MeSH D030342.

Allele frequency attached by ClinVar (database versions not stated): gnomAD exomes 0.00039 and 0.00042; 1000 Genomes Project 0.00040; ExAC 0.00043; ESP Exome Variant Server 0.00016; gnomAD 0.00029 and 0.00030; 1000 Genomes Project 30x 0.00031; TOPMed 0.00036.

Submissions (7):

Labcorp Genetics (formerly Invitae), Labcorp
Classification: Uncertain significance. Last evaluated: 2025-12-20. Review status: criteria provided, single submitter. Criteria: Invitae Variant Classification Sherloc (09022015). Collection method: clinical testing. Allele origin: germline.
Comment: This sequence change replaces alanine, which is neutral and non-polar, with valine, which is neutral and non-polar, at codon 90 of the NEFH protein (p.Ala90Val). This variant is present in population databases (rs61556467, gnomAD 0.07%), and has an allele count higher than expected for a pathogenic variant. This variant has not been reported in the literature in individuals affected with NEFH-related conditions. ClinVar contains an entry for this variant (Variation ID: 66742). Experimental studies and prediction algorithms are not available or were not evaluated, and the functional significance of this variant is currently unknown. In summary, the available evidence is currently insufficient to determine the role of this variant in disease. Therefore, it has been classified as a Variant of Uncertain Significance.

Women's Health and Genetics/Laboratory Corporation of America, LabCorp
Classification: Likely benign. Last evaluated: 2025-10-06. Review status: criteria provided, single submitter. Criteria: LabCorp Variant Classification Summary - May 2015. Collection method: clinical testing. Allele origin: germline.
Comment: Variant summary: NEFH c.269C>T (p.Ala90Val) results in a non-conservative amino acid change in the encoded protein sequence. Algorithms developed to predict the effect of missense changes on protein structure and function are either unavailable or do not agree on the potential impact of this missense change. The variant allele was found at a frequency of 0.00042 in 134526 control chromosomes, predominantly at a frequency of 0.00074 within the Latino subpopulation in the gnomAD database. The observed variant frequency within Latino control individuals in the gnomAD database exceeds the estimated maximal expected allele frequency for disease-causing variants in NEFH. To our knowledge, no occurrence of c.269C>T in individuals affected with NEFH-related conditions and no experimental evidence demonstrating its impact on protein function have been reported. ClinVar contains an entry for this variant (Variation ID: 66742). Based on the evidence outlined above, the variant was classified as likely benign.

CeGaT Center for Human Genetics Tuebingen
Classification: Uncertain significance. Last evaluated: 2025-10-01. Review status: criteria provided, single submitter. Criteria: CeGaT Center For Human Genetics Tuebingen Variant Classification Criteria Version 2. Collection method: clinical testing. Allele origin: germline. Affected: yes. Observed: 3 variant alleles.

Blueprint Genetics
Classification: Uncertain significance. Last evaluated: 2024-08-30. Review status: criteria provided, single submitter. Criteria: ACMG Guidelines, 2015. Collection method: clinical testing. Allele origin: germline.

Ambry Genetics
Classification: Benign for Inborn genetic diseases. Last evaluated: 2021-08-20. Review status: criteria provided, single submitter. Criteria: Ambry Variant Classification Scheme 2023. Collection method: clinical testing. Allele origin: germline.

PreventionGenetics, part of Exact Sciences
Classification: Likely benign for NEFH-related condition. Last evaluated: 2022-12-07. Review status: no assertion criteria provided. Collection method: clinical testing. Allele origin: germline. Not counted in ClinVar's aggregate classification.
Comment: This variant is classified as likely benign based on ACMG/AMP sequence variant interpretation guidelines (Richards et al. 2015 PMID: 25741868, with internal and published modifications).

Epithelial Biology;  Institute of Medical Biology, Singapore
No classification provided. Review status: no classification provided. Collection method: not provided. Allele origin: not provided. Not counted in ClinVar's aggregate classification.